The following is an entry in ClinVar:

ClinVar aggregate classification (germline): Pathogenic/Likely pathogenic. Review status: criteria provided, multiple submitters, no conflicts (2 of 4 stars). 3 submissions from 3 submitters: Pathogenic (2); Likely pathogenic (1). Last evaluated 2025-06-27.

Conditions:
Multiple epiphyseal dysplasia type 1. Also called: COMP-Related Multiple Epiphyseal Dysplasia. Identifiers: Orphanet 93308, MedGen C1838280, MONDO:0007561, OMIM 132400.

Submissions (3):

3billion
Classification: Pathogenic for Multiple epiphyseal dysplasia type 1. Last evaluated: 2025-06-27. Review status: criteria provided, single submitter. Criteria: ACMG Guidelines, 2015. Collection method: clinical testing. Allele origin: germline. Affected: yes.
Comment: The variant is not observed in the gnomAD v4.1.0 dataset. Predicted Consequence/Location: Missense variant. Missense changes are a common disease-causing mechanism. In silico tool predictions suggest damaging effect of the variant on gene or gene product [REVEL: 0.78 (>=0.6, sensitivity 0.68 and specificity 0.92); 3Cnet: 0.83 (> 0.75, sensitivity 0.96 and precision 0.92)]. The same nucleotide change resulting in the same amino acid change has been previously reported as pathogenic/likely pathogenic with strong evidence (ClinVar ID: VCV000432270 /PMID: 9021009). The variant has been observed in at least two similarly affected unrelated individuals (PMID: 21922596). Therefore, this variant is classified as Pathogenic according to the recommendation of ACMG/AMP guideline.

Labcorp Genetics (formerly Invitae), Labcorp
Classification: Pathogenic. Last evaluated: 2022-07-12. Review status: criteria provided, single submitter. Criteria: Invitae Variant Classification Sherloc (09022015). Collection method: clinical testing. Allele origin: germline.
Comment: This sequence change replaces asparagine, which is neutral and polar, with lysine, which is basic and polar, at codon 523 of the COMP protein (p.Asn523Lys). This variant is not present in population databases (gnomAD no frequency). This missense change has been observed in individual(s) with multiple epiphyseal dysplasia (PMID: 9021009, 17133256, 21922596). It has also been observed to segregate with disease in related individuals. ClinVar contains an entry for this variant (Variation ID: 432270). Advanced modeling of protein sequence and biophysical properties (such as structural, functional, and spatial information, amino acid conservation, physicochemical variation, residue mobility, and thermodynamic stability) performed at Invitae indicates that this missense variant is expected to disrupt COMP protein function. For these reasons, this variant has been classified as Pathogenic.

GeneDx
Classification: Likely pathogenic. Last evaluated: 2017-07-14. Review status: criteria provided, single submitter. Criteria: GeneDx Variant Classification (06012015). Collection method: clinical testing. Allele origin: germline. Affected: yes.
Comment: The c.1569 C>A nucleotide substitution, resulting in the N523K amino acid change, has not been reported previously as a pathogenic or benign variant to our knowledge. However, a different nucleotide substitution (c.1569 C>G) that also results in the N523K missense substitution has been previously reported in association with multiple epiphyseal dysplasia (Ballo et al., 1997; Jackson et al., 2012). The N523K variant is not observed in large population cohorts (Lek et al., 2016; 1000 Genomes Consortium et al., 2015; Exome Variant Server). The N523K variant is a semi-conservative amino acid substitution, which may impact secondary protein structure as these residues differ in some properties. This substitution occurs at a position that is conserved across species, and in silico analysis predicts this variant is probably damaging to the protein structure/function. Missense variants in nearby residues (D518N, D518Y, D518H, D518G, T527A, T529A, T529I) have been reported in the Human Gene Mutation Database in association with COMP-related disorders (Stenson et al., 2014), supporting the functional importance of this region of the protein. We interpret N523K as a likely pathogenic variant.

Literature cited by the submitters: PubMed 21922596 (cited by 3billion and Labcorp Genetics (formerly Invitae), Labcorp); PubMed 9021009 (cited by 3billion and Labcorp Genetics (formerly Invitae), Labcorp); PubMed 17133256 (cited by Labcorp Genetics (formerly Invitae), Labcorp).

NM_000095.3(COMP):c.1569C>A (p.Asn523Lys)

Gene: COMP (cartilage oligomeric matrix protein; minus strand). Cytogenetic location: 19p13.11.
Variant type: single nucleotide variant.
Coding change: c.1569C>A on transcript NM_000095.3 (MANE Select); coding-DNA position 1569, C replaced by A.
Protein change: p.Asn523Lys; replaces asparagine 523 with lysine.
Molecular consequence: missense variant.
Genome position (GRCh38, 1-based): chr19:18,785,772, G>T on the plus strand (C>A on the coding strand, the complement: COMP is on the minus strand). VCF-style: chr19-18785772-G-T. GRCh37 (hg19) VCF-style: chr19-18896582-G-T.
Other names: short protein forms N523K.
Identifiers: ClinVar variation 432270 (VCV000432270.10), dbSNP rs137852654, ClinGen allele CA404883154.
Genomic context (GRCh38, chr19:18,785,772, plus strand): 5'-ACCCTCCGGGTCCAGCACGACTGTCTGGAAGGCCCTGAAGTCGGTGAGCGTGACTTCAGC[G>T]TTCTCCGGACACACGTCGATCTTGTCTACCACCTTGTCTGCATCAAAGTCGTCCTGGCAC-3'
Protein context (NP_000086.2, residues 513-533): VVDKIDVCPE[Asn523Lys]AEVTLTDFRA